The following is an entry in ClinVar:

NM_000199.5(SGSH):c.1081G>A (p.Val361Ile)

Gene: SGSH (N-sulfoglucosamine sulfohydrolase; minus strand). Cytogenetic location: 17q25.3.
Variant type: single nucleotide variant.
Coding change: c.1081G>A on transcript NM_000199.5 (MANE Select); coding-DNA position 1081, G replaced by A.
Protein change: p.Val361Ile; replaces valine 361 with isoleucine.
Molecular consequence: missense variant. On other transcripts: 3 prime UTR variant (2), non-coding transcript variant (1).
Genome position (GRCh38, 1-based): chr17:80,210,880, C>T on the plus strand (G>A on the coding strand, the complement: SGSH is on the minus strand). VCF-style: chr17-80210880-C-T. GRCh37 (hg19) VCF-style: chr17-78184679-C-T.
Other names: c.*168G>A (NM_001352921.3); c.*131G>A (NM_001352922.2); short protein forms V361I.
Identifiers: ClinVar variation 92607 (VCV000092607.29), dbSNP rs9894254, ClinGen allele CA145858.

ClinVar aggregate classification (germline): Benign. Review status: criteria provided, multiple submitters, no conflicts (2 of 4 stars). 15 submissions from 15 submitters: Benign (9). 6 of the submissions do not count toward it. Last evaluated 2026-02-04.

Conditions:
Mucopolysaccharidosis, MPS-III-A (MPS3A). Also called: Mucopolysaccharidosis type IIIA (Sanfilippo A); Mucopolysaccharidosis, type IIIA; HEPARAN SULFATE SULFATASE DEFICIENCY; mucopolysaccharidosis type 3A; MPS IIIA (Sanfilippo Syndrome Type A); SANFILIPPO SYNDROME A. Identifiers: Orphanet 581, Orphanet 79269, MedGen C0086647, MONDO:0009655, OMIM 252900.

Allele frequency attached by ClinVar (database versions not stated): TOPMed 0.07708; gnomAD exomes 0.05007 and 0.04841; 1000 Genomes Project 0.06350; ExAC 0.05363; gnomAD 0.07594 and 0.07931; ESP Exome Variant Server 0.08196.
gnomAD v4.1: 82,464 of 1,612,936 alleles (5.1%); highest among the groups gnomAD compares: African/African-American, 15%; 2,637 homozygotes.

Submissions (15):

Labcorp Genetics (formerly Invitae), Labcorp
Classification: Benign for Mucopolysaccharidosis, MPS-III-A. Last evaluated: 2026-02-04. Review status: criteria provided, single submitter. Criteria: Invitae Variant Classification Sherloc (09022015). Collection method: clinical testing. Allele origin: germline.

Genome-Nilou Lab
Classification: Benign for Mucopolysaccharidosis, MPS-III-A. Last evaluated: 2021-11-07. Review status: criteria provided, single submitter. Criteria: ACMG Guidelines, 2015. Collection method: clinical testing. Allele origin: germline. Affected: no.

Illumina Laboratory Services, Illumina
Classification: Benign for Mucopolysaccharidosis, MPS-III-A. Last evaluated: 2018-01-12. Review status: criteria provided, single submitter. Criteria: ICSL Variant Classification Criteria 13 December 2019. Collection method: clinical testing. Allele origin: germline.
Comment: This variant was observed in the ICSL laboratory as part of a predisposition screen in an ostensibly healthy population. It had not been previously curated by ICSL or reported in the Human Gene Mutation Database (HGMD: prior to June 1st, 2018), and was therefore a candidate for classification through an automated scoring system. Utilizing variant allele frequency, disease prevalence and penetrance estimates, and inheritance mode, an automated score was calculated to assess if this variant is too frequent to cause the disease. Based on the score and internal cut-off values, a variant classified as benign is not then subjected to further curation. The score for this variant resulted in a classification of benign for this disease.

GeneDx
Classification: Benign. Last evaluated: 2017-11-15. Review status: criteria provided, single submitter. Criteria: GeneDx Variant Classification (06012015). Collection method: clinical testing. Allele origin: germline. Affected: yes.
Comment: This variant is considered likely benign or benign based on one or more of the following criteria: it is a conservative change, it occurs at a poorly conserved position in the protein, it is predicted to be benign by multiple in silico algorithms, and/or has population frequency not consistent with disease.

Women's Health and Genetics/Laboratory Corporation of America, LabCorp
Classification: Benign. Last evaluated: 2016-08-22. Review status: criteria provided, single submitter. Criteria: LabCorp Variant Classification Summary - May 2015. Collection method: clinical testing. Allele origin: germline.
Comment: Variant summary: The SGSH c.1081G>A (p.Val361Ile) variant causes a missense change involving a conserved nucleotide with 3/3 in silico tools (SNPs&GO and MutationTaster not captured here due to low reliability index and p-value, respectively) predict a benign outcome for this variant. The variant of interest was observed in the large, broad control population, ExAC, with an allele frequency of 6457/120406 (1/18, 258 homozygoes), which significantly exceeds the estimated maximal expected allele frequency for a pathogenic SGSH variant of 1/309 (0.0032275), suggesting this variant is likely a benign polymorphism. A reputable clinical laboratory cites the variant as "benign." Therefore, the variant of interest has been classified as Benign.

Clinical Genetics DNA and cytogenetics Diagnostics Lab, Erasmus MC, Erasmus Medical Center
Classification: Benign for Mucopolysaccharidosis, MPS-III-A. Last evaluated: 2015-09-21. Review status: criteria provided, single submitter. Criteria: ACGS Guidelines, 2013. Collection method: clinical testing. Allele origin: germline. Affected: yes. Study: VKGL Data-share Consensus.

Eurofins Ntd Llc (ga)
Classification: Benign. Last evaluated: 2013-06-05. Review status: criteria provided, single submitter. Criteria: EGL Classification Definitions 2015. Collection method: clinical testing. Allele origin: germline. Observed: 17 variant alleles, 16 heterozygotes, 1 homozygote.

Breakthrough Genomics
Classification: Benign. Review status: criteria provided, single submitter. Criteria: ACMG Guidelines, 2015. Collection method: not provided. Allele origin: germline. Inheritance: Autosomal recessive inheritance. Affected: yes.

PreventionGenetics, part of Exact Sciences
Classification: Benign. Review status: criteria provided, single submitter. Criteria: ACMG Guidelines, 2015. Collection method: clinical testing. Allele origin: germline.

Natera, Inc.
Classification: Benign for Mucopolysaccharidosis type IIIA. Last evaluated: 2020-09-16. Review status: no assertion criteria provided. Collection method: clinical testing. Allele origin: germline. Not counted in ClinVar's aggregate classification.

Mayo Clinic Laboratories, Mayo Clinic
Classification: Benign. Last evaluated: 2017-03-16. Review status: no assertion criteria provided. Collection method: clinical testing. Allele origin: unknown. Not counted in ClinVar's aggregate classification.

Clinical Genetics, Academic Medical Center
Classification: Benign. Review status: no assertion criteria provided. Collection method: clinical testing. Allele origin: germline. Affected: yes. Study: VKGL Data-share Consensus. Not counted in ClinVar's aggregate classification.

Diagnostic Laboratory, Department of Genetics, University Medical Center Groningen
Classification: Benign for Mucopolysaccharidosis, MPS-III-A. Review status: no assertion criteria provided. Collection method: clinical testing. Allele origin: germline. Affected: yes. Study: VKGL Data-share Consensus. Not counted in ClinVar's aggregate classification.

Genome Diagnostics Laboratory, University Medical Center Utrecht
Classification: Benign. Review status: no assertion criteria provided. Collection method: clinical testing. Allele origin: germline. Affected: yes. Study: VKGL Data-share Consensus. Not counted in ClinVar's aggregate classification.

Laboratory of Diagnostic Genome Analysis, Leiden University Medical Center (LUMC)
Classification: Likely benign. Review status: no assertion criteria provided. Collection method: clinical testing. Allele origin: germline. Affected: yes. Study: VKGL Data-share Consensus. Not counted in ClinVar's aggregate classification.